The following is an entry in ClinVar:

NM_017654.4(SAMD9):c.4231C>G (p.Leu1411Val)

Gene: SAMD9 (sterile alpha motif domain containing 9; minus strand). Cytogenetic location: 7q21.2.
Variant type: single nucleotide variant.
Coding change: c.4231C>G on transcript NM_017654.4 (MANE Select); coding-DNA position 4231, C replaced by G.
Protein change: p.Leu1411Val; replaces leucine 1411 with valine.
Molecular consequence: missense variant.
Genome position (GRCh38, 1-based): chr7:93,101,867, G>C on the plus strand (C>G on the coding strand, the complement: SAMD9 is on the minus strand). VCF-style: chr7-93101867-G-C. GRCh37 (hg19) VCF-style: chr7-92731180-G-C.
Other names: c.4231C>G, p.Leu1411Val (NM_001193307.2); short protein forms L1411V.
Identifiers: ClinVar variation 3949552 (VCV003949552.1).

ClinVar aggregate classification (germline): Uncertain significance (1 of 4 stars; one submission).

Conditions:
Inborn genetic diseases. Identifiers: MedGen C0950123, MeSH D030342.

Submission:

Ambry Genetics
Classification: Uncertain significance for Inborn genetic diseases. Last evaluated: 2025-04-17. Review status: criteria provided, single submitter. Criteria: Ambry Variant Classification Scheme 2023. Collection method: clinical testing. Allele origin: germline.
Comment: The p.L1411V variant (also known as c.4231C>G), located in coding exon 1 of the SAMD9 gene, results from a C to G substitution at nucleotide position 4231. The leucine at codon 1411 is replaced by valine, an amino acid with highly similar properties. This amino acid position is conserved. In addition, this alteration is predicted to be tolerated by in silico analysis. Based on the available evidence, the clinical significance of this variant remains unclear.